The following is an entry in ClinVar:

NM_016292.3(TRAP1):c.814+1G>A

Gene: TRAP1 (TNF receptor associated protein 1; minus strand). Cytogenetic location: 16p13.3.
Variant type: single nucleotide variant.
Coding change: c.814+1G>A on transcript NM_016292.3 (MANE Select); the canonical splice donor site of the intron after coding-DNA position 814, G replaced by A.
Molecular consequence: splice donor variant.
Genome position (GRCh38, 1-based): chr16:3,676,035, C>T on the plus strand (G>A on the coding strand, the complement: TRAP1 is on the minus strand). VCF-style: chr16-3676035-C-T. GRCh37 (hg19) VCF-style: chr16-3726036-C-T.
Other names: c.655+1G>A (NM_001272049.2).
Identifiers: ClinVar variation 2143483 (VCV002143483.5), dbSNP rs763294359, ClinGen allele CA7868489.

ClinVar aggregate classification (germline): Uncertain significance (1 of 4 stars; one submission).

Allele frequency attached by ClinVar (database versions not stated): gnomAD exomes below 0.00001; ExAC 0.00001; gnomAD 0.00001.
gnomAD v4.1: 4 of 1,612,192 alleles (0.00025%); highest among the groups gnomAD compares: Non-Finnish European, 0.00017%; no homozygotes.

Submissions (2):

Labcorp Genetics (formerly Invitae), Labcorp
Classification: Uncertain significance. Last evaluated: 2022-09-14. Review status: criteria provided, single submitter. Criteria: Invitae Variant Classification Sherloc (09022015). Collection method: clinical testing. Allele origin: germline.
Comment: In summary, the available evidence is currently insufficient to determine the role of this variant in disease. Therefore, it has been classified as a Variant of Uncertain Significance. Algorithms developed to predict the effect of sequence changes on RNA splicing suggest that this variant may disrupt the consensus splice site. This variant has not been reported in the literature in individuals affected with TRAP1-related conditions. This variant is present in population databases (rs763294359, gnomAD 0.0009%). This sequence change affects a donor splice site in intron 7 of the TRAP1 gene. It is expected to disrupt RNA splicing. Variants that disrupt the donor or acceptor splice site typically lead to a loss of protein function (PMID: 16199547), however the current clinical and genetic evidence is not sufficient to establish whether loss-of-function variants in TRAP1 cause disease.

Dr. Peter K. Rogan Lab, Western University
No classification provided (evidence only). Condition: Familial cancer of breast. Review status: no classification provided. Collection method: in vitro. Allele origin: not applicable. Functional consequence: retained intron. Not counted in ClinVar's aggregate classification.

Literature cited by the submitters: PubMed 16199547 (cited by Labcorp Genetics (formerly Invitae), Labcorp).